The following is an entry in ClinVar:

ClinVar aggregate classification (germline): Pathogenic (1 of 4 stars; one submission).

Conditions:
Ataxia-telangiectasia syndrome (AT). Also called: Ataxia-telangiectasia, complementation group D; AT, COMPLEMENTATION GROUP C; ATAXIA-TELANGIECTASIA, COMPLEMENTATION GROUP A; ATAXIA-TELANGIECTASIA, FRESNO VARIANT; Ataxia-telangiectasia; Ataxia telangiectasia (A-T). Identifiers: Orphanet 100, MedGen C0004135, MONDO:0008840, OMIM 208900.

Submission:

Labcorp Genetics (formerly Invitae), Labcorp
Classification: Pathogenic for Ataxia-telangiectasia syndrome. Last evaluated: 2019-10-03. Review status: criteria provided, single submitter. Criteria: Invitae Variant Classification Sherloc (09022015). Collection method: clinical testing. Allele origin: germline.
Comment: This sequence change creates a premature translational stop signal (p.Phe2927Glnfs*5) in the ATM gene. It is expected to result in an absent or disrupted protein product. This variant is not present in population databases (ExAC no frequency). This variant has not been reported in the literature in individuals with ATM-related conditions. Loss-of-function variants in ATM are known to be pathogenic (PMID: 23807571, 25614872). For these reasons, this variant has been classified as Pathogenic.

Literature cited by the submitters: PubMed 23807571; PubMed 25614872.

NM_000051.4(ATM):c.8779_8780del (p.Phe2927fs)

Genes: ATM (ATM serine/threonine kinase; plus strand), C11orf65 (chromosome 11 open reading frame 65; minus strand). Cytogenetic location: 11q22.3.
Variant type: Deletion.
Coding change: c.8779_8780del on transcript NM_000051.4 (MANE Select); coding-DNA positions 8779 to 8780, 2 bases deleted (TT; older notation c.8779_8780delTT).
Protein change: p.Phe2927fs; shifts the reading frame from phenylalanine 2927.
Molecular consequence: frameshift variant. On other transcripts: intron variant (2).
Genome position (GRCh38, 1-based): chr11:108,353,873-108,353,874, TT deleted. VCF-style (leftmost placement, unchanged base first): chr11-108353872-CTT-C. GRCh37 (hg19) VCF-style: chr11-108224599-CTT-C.
Other names: c.8779_8780del, p.Phe2927fs (NM_001351834.2); c.640+32046_640+32047del (NM_001330368.2); c.695-18582_695-18581del (NM_001351110.2); c.8779_8780delTT, p.Phe2927Glnfs (NM_000051.3); short protein forms F2927fs.
Identifiers: ClinVar variation 937924 (VCV000937924.8), dbSNP rs2089522875, ClinGen allele CA1139662281.